The following is an entry in ClinVar:

ClinVar aggregate classification (germline): Uncertain significance (1 of 4 stars; one submission).

Conditions:
Hereditary cancer-predisposing syndrome. Also called: Neoplastic Syndromes, Hereditary; Tumor predisposition; Hereditary neoplastic syndrome; Hereditary Cancer Syndrome. Identifiers: Orphanet 140162, MedGen C0027672, MeSH D009386, MONDO:0015356.

Submission:

Ambry Genetics
Classification: Uncertain significance for Hereditary cancer-predisposing syndrome. Last evaluated: 2022-11-18. Review status: criteria provided, single submitter. Criteria: Ambry Variant Classification Scheme 2023. Collection method: clinical testing. Allele origin: germline.
Comment: The p.S1906P variant (also known as c.5716T>C), located in coding exon 15 of the APC gene, results from a T to C substitution at nucleotide position 5716. The serine at codon 1906 is replaced by proline, an amino acid with similar properties. This amino acid position is conserved. In addition, in silico predictors for this gene do not accurately predict pathogenicity. Since supporting evidence is limited at this time, the clinical significance of this alteration remains unclear.

NM_000038.6(APC):c.5716T>C (p.Ser1906Pro)

Gene: APC (APC regulator of Wnt signaling pathway; plus strand). Cytogenetic location: 5q22.2.
Variant type: single nucleotide variant.
Coding change: c.5716T>C on transcript NM_000038.6 (MANE Select); coding-DNA position 5716, T replaced by C.
Protein change: p.Ser1906Pro; replaces serine 1906 with proline.
Molecular consequence: missense variant. On other transcripts: non-coding transcript variant (2).
Genome position (GRCh38, 1-based): chr5:112,841,310, T>C. VCF-style: chr5-112841310-T-C. GRCh37 (hg19) VCF-style: chr5-112177007-T-C.
Other names: c.5716T>C, p.Ser1906Pro (NM_001127510.3, NM_001354895.2, NM_001407450.1); c.5662T>C, p.Ser1888Pro (NM_001127511.3); c.5770T>C, p.Ser1924Pro (NM_001354896.2, NM_001407447.1, NM_001407448.1 and 1 more transcripts); c.5746T>C, p.Ser1916Pro (NM_001354897.2); c.5641T>C, p.Ser1881Pro (NM_001354898.2); c.5632T>C, p.Ser1878Pro (NM_001354899.2); c.5593T>C, p.Ser1865Pro (NM_001354900.2); c.5539T>C, p.Ser1847Pro (NM_001354901.2, NM_001407453.1); and 11 more; short protein forms S1815P, S1865P, S1878P, S1881P, S1899P, S1916P, S1746P, S1777P.
Identifiers: ClinVar variation 2452684 (VCV002452684.2), dbSNP rs2149947306, ClinGen allele CA16033845.